The following is an entry in ClinVar:

ClinVar aggregate classification (germline): Likely pathogenic (1 of 4 stars; one submission).

Submission:

GeneDx
Classification: Likely pathogenic. Last evaluated: 2019-01-24. Review status: criteria provided, single submitter. Criteria: GeneDx Variant Classification (06012015). Collection method: clinical testing. Allele origin: germline. Affected: yes.
Comment: The c.1248dupT variant has not been published as a pathogenic variant, nor has it been reported as a benign variant to our knowledge. The variant is not observed in large population cohorts (Lek et al., 2016). It causes a frameshift starting with codon Glutamine 417, changes this amino acid to a Serine residue and creates a premature Stop codon at position 3 of the new reading frame, denoted p.Gln417SerfsX3. This variant is predicted to cause loss of normal protein function through protein truncation. We interpret this variant as likely pathogenic.

NM_005857.5(ZMPSTE24):c.1248dup (p.Gln417fs)

Gene: ZMPSTE24 (zinc metallopeptidase STE24; plus strand). Cytogenetic location: 1p34.2.
Variant type: Duplication.
Coding change: c.1248dup on transcript NM_005857.5 (MANE Select); coding-DNA position 1248, one base duplicated (T; older notation c.1248dupT).
Protein change: p.Gln417fs; shifts the reading frame from glutamine 417.
Molecular consequence: frameshift variant.
Genome position (GRCh38, 1-based): chr1:40,292,489, T duplicated; the last of 3 consecutive T bases (chr1:40,292,487-40,292,489); duplicating any one gives the same sequence. VCF-style (leftmost placement, unchanged base first): chr1-40292486-G-GT. GRCh37 (hg19) VCF-style: chr1-40758158-G-GT.
Other names: short protein forms Q417fs.
Identifiers: ClinVar variation 817405 (VCV000817405.1), dbSNP rs1569671504, ClinGen allele CA915941216.